The following is an entry in ClinVar:

NM_006231.4(POLE):c.4731G>C (p.Glu1577Asp)

Gene: POLE (DNA polymerase epsilon, catalytic subunit; minus strand). Cytogenetic location: 12q24.33.
Variant type: single nucleotide variant.
Coding change: c.4731G>C on transcript NM_006231.4 (MANE Select); coding-DNA position 4731, G replaced by C.
Protein change: p.Glu1577Asp; replaces glutamic acid 1577 with aspartic acid.
Molecular consequence: missense variant.
Genome position (GRCh38, 1-based): chr12:132,642,727, C>G on the plus strand (G>C on the coding strand, the complement: POLE is on the minus strand). VCF-style: chr12-132642727-C-G. GRCh37 (hg19) VCF-style: chr12-133219313-C-G.
Other names: short protein forms E1577D.
Identifiers: ClinVar variation 240538 (VCV000240538.12), dbSNP rs772361606, ClinGen allele CA10582984.

ClinVar aggregate classification (germline): Conflicting classifications of pathogenicity. Review status: criteria provided, conflicting classifications (1 of 4 stars). 3 submissions from 3 submitters: Uncertain significance (2); Likely benign (1). Last evaluated 2025-12-29.

Conditions:
Hereditary cancer-predisposing syndrome. Also called: Tumor predisposition; Neoplastic Syndromes, Hereditary; Hereditary Cancer Syndrome; Hereditary neoplastic syndrome. Identifiers: Orphanet 140162, MedGen C0027672, MeSH D009386, MONDO:0015356.

gnomAD v4.1: 5 of 1,613,502 alleles (0.00031%); highest among the groups gnomAD compares: East Asian, 0.011%; no homozygotes.

Submissions (3):

Center for Genomic Medicine, Rigshospitalet, Copenhagen University Hospital
Classification: Uncertain significance. Last evaluated: 2025-12-29. Review status: criteria provided, single submitter. Criteria: ACMG Guidelines, 2015. Collection method: clinical testing. Allele origin: germline.

Labcorp Genetics (formerly Invitae), Labcorp
Classification: Uncertain significance. Last evaluated: 2025-12-22. Review status: criteria provided, single submitter. Criteria: Invitae Variant Classification Sherloc (09022015). Collection method: clinical testing. Allele origin: germline.
Comment: This sequence change replaces glutamic acid, which is acidic and polar, with aspartic acid, which is acidic and polar, at codon 1577 of the POLE protein (p.Glu1577Asp). This variant is present in population databases (no rsID available, gnomAD 0.01%). This variant has not been reported in the literature in individuals affected with POLE-related conditions. ClinVar contains an entry for this variant (Variation ID: 240538). An algorithm developed to predict the effect of missense changes on protein structure and function outputs the following: PolyPhen-2: "Not Available". The aspartic acid amino acid residue is found in multiple mammalian species, which suggests that this missense change does not adversely affect protein function. In summary, the available evidence is currently insufficient to determine the role of this variant in disease. Therefore, it has been classified as a Variant of Uncertain Significance.

Ambry Genetics
Classification: Likely benign for Hereditary cancer-predisposing syndrome. Last evaluated: 2025-04-03. Review status: criteria provided, single submitter. Criteria: Ambry Variant Classification Scheme 2023. Collection method: clinical testing. Allele origin: germline.